The following is an entry in ClinVar:

NM_005591.4(MRE11):c.311G>C (p.Ser104Thr)

Gene: MRE11 (MRE11 double strand break repair nuclease; minus strand). Cytogenetic location: 11q21.
Variant type: single nucleotide variant.
Coding change: c.311G>C on transcript NM_005591.4 (MANE Select); coding-DNA position 311, G replaced by C.
Protein change: p.Ser104Thr; replaces serine 104 with threonine.
Molecular consequence: missense variant.
Genome position (GRCh38, 1-based): chr11:94,485,927, C>G on the plus strand (G>C on the coding strand, the complement: MRE11 is on the minus strand). VCF-style: chr11-94485927-C-G. GRCh37 (hg19) VCF-style: chr11-94219093-C-G.
Other names: p.S104T:AGT>ACT; c.311G>C, p.Ser104Thr (NM_001330347.2, NM_005590.4); short protein forms S104T.
Identifiers: ClinVar variation 127981 (VCV000127981.21), dbSNP rs587780140, ClinGen allele CA288177.
Genomic context (GRCh38, chr11:94,485,927, plus strand): 5'-TATACAGCAAATACCATACACAAGTAATCACTCACTCAAGTAAATAAATATACTTACTTA[C>G]TAAAACCAAAGTTGACTGACTGATCACTGAGAATTTCAAACTGGACAGGCCGATCACCCA-3'
Protein context (NP_005582.1, residues 94-114): LSDQSVNFGF[Ser104Thr]KFPWVNYQDG

ClinVar aggregate classification (germline): Uncertain significance. Review status: criteria provided, multiple submitters, no conflicts (2 of 4 stars). 9 submissions from 9 submitters: Uncertain significance (9). Last evaluated 2025-05-06.

Conditions:
Ataxia-telangiectasia-like disorder (ATLD). Identifiers: MedGen C1858391, MONDO:0011457.
Hereditary cancer-predisposing syndrome. Also called: Hereditary neoplastic syndrome; Neoplastic Syndromes, Hereditary; Hereditary Cancer Syndrome; Tumor predisposition. Identifiers: Orphanet 140162, MedGen C0027672, MeSH D009386, MONDO:0015356.
Ataxia-telangiectasia-like disorder 1 (ATLD1). Identifiers: Orphanet 251347, MedGen C4012790, MONDO:0024557, OMIM 604391.

Allele frequency attached by ClinVar (database versions not stated): gnomAD exomes below 0.00001 and 0.00001; gnomAD 0.00010 and 0.00011; TOPMed 0.00019.
gnomAD v4.1: 23 of 1,612,376 alleles (0.0014%); highest among the groups gnomAD compares: Admixed American, 0.032%; no homozygotes.

Submissions (9):

Quest Diagnostics Nichols Institute San Juan Capistrano
Classification: Uncertain significance. Last evaluated: 2025-05-06. Review status: criteria provided, single submitter. Criteria: Quest Diagnostics criteria. Collection method: clinical testing. Allele origin: unknown.

Ambry Genetics
Classification: Uncertain significance for Hereditary cancer-predisposing syndrome. Last evaluated: 2024-10-07. Review status: criteria provided, single submitter. Criteria: Ambry Variant Classification Scheme 2023. Collection method: clinical testing. Allele origin: germline.
Comment: The p.S104T variant (also known as c.311G>C), located in coding exon 3 of the MRE11A gene, results from a G to C substitution at nucleotide position 311. The serine at codon 104 is replaced by threonine, an amino acid with similar properties. The p.S104 residue is located in the metallo-phosphatase domain and in involved in dimerization; the p.S104T alteration is anticipated to result in a decrease of dimerization, which is functionally critical (Ambry internal data, Seifert FU et al. Acta Crystallogr F Struct Biol Commun 2015 Jun;71(Pt 6):752-7). This alteration was identified in an individual diagnosed with breast cancer (Dutil J et al. Sci Rep, 2019 11;9:17769). This amino acid position is highly conserved in available vertebrate species. In addition, this alteration is predicted to be tolerated by in silico analysis. Since supporting evidence is limited at this time, the clinical significance of this alteration remains unclear.

Women's Health and Genetics/Laboratory Corporation of America, LabCorp
Classification: Uncertain significance. Last evaluated: 2024-06-03. Review status: criteria provided, single submitter. Criteria: LabCorp Variant Classification Summary - May 2015. Collection method: clinical testing. Allele origin: germline.
Comment: Variant summary: MRE11 c.311G>C (p.Ser104Thr) results in a conservative amino acid change located in the Calcineurin-like phosphoesterase domain, ApaH type domain (IPR004843) of the encoded protein sequence. Four of five in-silico tools predict a benign effect of the variant on protein function. The variant allele was found at a frequency of 1.4e-05 in 1612376 control chromosomes. This frequency is not significantly higher than estimated for a pathogenic variant in MRE11A causing Hereditary Breast And Ovarian Cancer Syndrome (1.4e-05 vs 6.3e-05), allowing no conclusion about variant significance. c.311G>C has been reported in the literature in at-least one individual affected with Hereditary Breast And/or Ovarian Cancer (example: Dutil_2019). These report(s) do not provide unequivocal conclusions about association of the variant with Hereditary Breast And Ovarian Cancer Syndrome. To our knowledge, no experimental evidence demonstrating an impact on protein function has been reported. The following publication has been ascertained in the context of this evaluation (PMID: 31780696). ClinVar contains an entry for this variant (Variation ID: 127981). Based on the evidence outlined above, the variant was classified as uncertain significance.

Baylor Genetics
Classification: Uncertain significance for Ataxia-telangiectasia-like disorder 1. Last evaluated: 2023-08-09. Review status: criteria provided, single submitter. Criteria: ACMG Guidelines, 2015. Collection method: clinical testing. Allele origin: unknown.

Labcorp Genetics (formerly Invitae), Labcorp
Classification: Uncertain significance for Ataxia-telangiectasia-like disorder. Last evaluated: 2022-09-19. Review status: criteria provided, single submitter. Criteria: Invitae Variant Classification Sherloc (09022015). Collection method: clinical testing. Allele origin: germline.
Comment: This sequence change replaces serine, which is neutral and polar, with threonine, which is neutral and polar, at codon 104 of the MRE11 protein (p.Ser104Thr). This variant is present in population databases (rs587780140, gnomAD 0.009%). This missense change has been observed in individual(s) with breast cancer (PMID: 31780696). ClinVar contains an entry for this variant (Variation ID: 127981). Algorithms developed to predict the effect of missense changes on protein structure and function (SIFT, PolyPhen-2, Align-GVGD) all suggest that this variant is likely to be tolerated. Algorithms developed to predict the effect of sequence changes on RNA splicing suggest that this variant may disrupt the consensus splice site. In summary, the available evidence is currently insufficient to determine the role of this variant in disease. Therefore, it has been classified as a Variant of Uncertain Significance.

Sema4
Classification: Uncertain significance for Hereditary cancer-predisposing syndrome. Last evaluated: 2021-08-13. Review status: criteria provided, single submitter. Criteria: Sema4 Curation Guidelines. Collection method: curation. Allele origin: germline.
Comment: The MRE11 c.311G>C (p.S104T) variant has been reported in heterozygosity in at least one individual with breast cancer (PMID: 31780696). This variant was observed in 2/35372 chromosomes in the Latino population according to the Genome Aggregation Database (PMID: 32461654) and has been reported in ClinVar (Variation ID: 127981). Functional studies have not been performed, and in silico predictions of the variant's effect on protein function are inconclusive. The overall evidence is inconsistent with ACMG/AMP requirements for a classification of benign or pathogenic. In summary, the clinical significance of this variant is currently uncertain.

Revvity Omics, Revvity
Classification: Uncertain significance for Ataxia-telangiectasia-like disorder 1. Last evaluated: 2020-02-29. Review status: criteria provided, single submitter. Criteria: ACMG Guidelines, 2015. Collection method: clinical testing. Allele origin: germline.

Athena Diagnostics
Classification: Uncertain significance. Last evaluated: 2018-03-16. Review status: criteria provided, single submitter. Criteria: Athena Diagnostics Criteria. Collection method: clinical testing. Allele origin: germline.

GeneDx
Classification: Uncertain significance. Last evaluated: 2013-12-12. Review status: criteria provided, single submitter. Criteria: GeneDx Variant Classification (06012015). Collection method: clinical testing. Allele origin: germline. Affected: yes.
Comment: MRE11A, which is involved in DNA damage repair, has been only recently described in association with cancer predisposition and the risks are not well understood. This variant is denoted MRE11A c.311G>C at the cDNA level, p.Ser104Thr (S104T) at the protein level, and results in the change of a Serine to a Threonine (AGT>ACT). This variant has not, to our knowledge, been published in the literature as pathogenic or benign. MRE11A Ser104Thr was not observed in approximately 6,500 individuals of European and African American ancestry in the NHLBI Exome Sequencing Project, indicating it is not a common benign variant in these populations. This variant is a conservative substitution of one neutral polar amino acid for another, altering a position that is well conserved throughout evolution and is located in the a2-b2 loop forming a H-bond that is involved in stabilizing the hMre11 core dimer (Park 2011). In silico analyses are inconsistent with regard to the effect this variant may have on protein structure and function. On a molecular level, the impact of this missense variant on protein structure and function is not known and thus we consider this to be a variant of uncertain significance. Furthermore, based on the currently available information, cancer risks associated with this variant, and the MRE11A gene, remain unclear.

Literature cited by the submitters: PubMed 26057807 (cited by Ambry Genetics); PubMed 31780696 (cited by 4 submitters).